The following is an entry in ClinVar:

ClinVar aggregate classification (germline): Uncertain significance (1 of 4 stars; one submission).

Submission:

Labcorp Genetics (formerly Invitae), Labcorp
Classification: Uncertain significance. Last evaluated: 2024-09-12. Review status: criteria provided, single submitter. Criteria: Invitae Variant Classification Sherloc (09022015). Collection method: clinical testing. Allele origin: germline.
Comment: This sequence change replaces aspartic acid, which is acidic and polar, with histidine, which is basic and polar, at codon 334 of the TMPRSS3 protein (p.Asp334His). This variant is not present in population databases (gnomAD no frequency). This variant has not been reported in the literature in individuals affected with TMPRSS3-related conditions. Invitae Evidence Modeling of protein sequence and biophysical properties (such as structural, functional, and spatial information, amino acid conservation, physicochemical variation, residue mobility, and thermodynamic stability) has been performed for this missense variant. However, the output from this modeling did not meet the statistical confidence thresholds required to predict the impact of this variant on TMPRSS3 protein function. In summary, the available evidence is currently insufficient to determine the role of this variant in disease. Therefore, it has been classified as a Variant of Uncertain Significance.

NM_001256317.3(TMPRSS3):c.1000G>C (p.Asp334His)

Gene: TMPRSS3 (transmembrane serine protease 3; minus strand). Cytogenetic location: 21q22.3.
Variant type: single nucleotide variant.
Coding change: c.1000G>C on transcript NM_001256317.3 (MANE Select); coding-DNA position 1000, G replaced by C.
Protein change: p.Asp334His; replaces aspartic acid 334 with histidine.
Molecular consequence: missense variant.
Genome position (GRCh38, 1-based): chr21:42,380,165, C>G on the plus strand (G>C on the coding strand, the complement: TMPRSS3 is on the minus strand). VCF-style: chr21-42380165-C-G. GRCh37 (hg19) VCF-style: chr21-43800274-C-G.
Other names: c.1000G>C, p.Asp334His (NM_024022.4); c.619G>C, p.Asp207His (NM_032404.3); short protein forms D207H, D334H.
Identifiers: ClinVar variation 3679844 (VCV003679844.2).